The following is an entry in ClinVar:

ClinVar aggregate classification (germline): Likely benign (1 of 4 stars; one submission).

Allele frequency attached by ClinVar (database versions not stated): ExAC 0.00088; ESP Exome Variant Server 0.00242; 1000 Genomes Project 0.00260; gnomAD 0.00287 and 0.00310; 1000 Genomes Project 30x 0.00312; TOPMed 0.00348; gnomAD exomes 0.00027 and 0.00070.

Submission:

GeneDx
Classification: Likely benign. Last evaluated: 2018-06-19. Review status: criteria provided, single submitter. Criteria: GeneDx Variant Classification (06012015). Collection method: clinical testing. Allele origin: germline. Affected: yes.
Comment: This variant is considered likely benign or benign based on one or more of the following criteria: it is a conservative change, it occurs at a poorly conserved position in the protein, it is predicted to be benign by multiple in silico algorithms, and/or has population frequency not consistent with disease.

NM_001371596.2(MFSD8):c.864-45G>A

Gene: MFSD8 (major facilitator superfamily domain containing 8; minus strand). Cytogenetic location: 4q28.2.
Variant type: single nucleotide variant.
Coding change: c.864-45G>A on transcript NM_001371596.2 (MANE Select); 45 bases into the intron before coding-DNA position 864, G replaced by A.
Molecular consequence: intron variant.
Genome position (GRCh38, 1-based): chr4:127,930,862, C>T on the plus strand (G>A on the coding strand, the complement: MFSD8 is on the minus strand). VCF-style: chr4-127930862-C-T. GRCh37 (hg19) VCF-style: chr4-128852017-C-T.
Other names: c.582-45G>A (NM_001371595.1); c.414-45G>A (NM_001410765.1); c.729-45G>A (NM_001371590.2); c.864-45G>A (NM_152778.4, NM_001371591.2); c.549-45G>A (NM_001363521.3); c.750-45G>A (NM_001410766.1, NM_001371593.2); c.663-45G>A (NM_001363520.3); c.717-45G>A (NM_001371594.2); and 1 more.
Identifiers: ClinVar variation 675853 (VCV000675853.3), dbSNP rs72920238, ClinGen allele CA3077353.
Genomic context (GRCh38, chr4:127,930,862, plus strand): 5'-TAATGGAGTAATGATGCTAAGAAAAAAAAAATTATTCTTATTTTATTTAAATCACAGTAA[C>T]TGTTATACTTAAAGTGAAGTGTAAGTTTTAATAACGACATCTACACATTCAAGAATGTGC-3'